The following is an entry in ClinVar:

NM_001367949.2(FAT3):c.8833G>A (p.Val2945Ile)

Gene: FAT3 (FAT atypical cadherin 3; plus strand). Cytogenetic location: 11q14.3.
Variant type: single nucleotide variant.
Coding change: c.8833G>A on transcript NM_001367949.2 (MANE Select); coding-DNA position 8833, G replaced by A.
Protein change: p.Val2945Ile; replaces valine 2945 with isoleucine.
Molecular consequence: missense variant.
Genome position (GRCh38, 1-based): chr11:92,801,846, G>A. VCF-style: chr11-92801846-G-A. GRCh37 (hg19) VCF-style: chr11-92535012-G-A.
Other names: c.8833G>A, p.Val2945Ile (NM_001008781.3); short protein forms V2945I.
Identifiers: ClinVar variation 3041630 (VCV003041630.2), dbSNP rs187454400, ClinGen allele CA6227713.
Genomic context (GRCh38, chr11:92,801,846, plus strand): 5'-GCGCAGGAAGTGTACCGAGGGAATGTGAAGGAGAGCGACCCACCGGGCGAGGTGGTAGCC[G>A]TCCTCAGCACCTGGGACAGAGACACATCCGACGTTAATCGCCAAGTGAGCTACCATATTA-3'
Protein context (NP_001354878.1, residues 2935-2955): ESDPPGEVVA[Val2945Ile]LSTWDRDTSD

ClinVar aggregate classification (germline): Benign (0 of 4 stars; one submission).

Conditions:
FAT3-related disorder. Also called: FAT3-related condition.

Allele frequency attached by ClinVar (database versions not stated): TOPMed 0.00224; ESP Exome Variant Server 0.00285; gnomAD exomes 0.00373; gnomAD 0.00385; 1000 Genomes Project 30x 0.00437; 1000 Genomes Project 0.00499; ExAC 0.00561.
gnomAD v4.1: 6,051 of 1,613,912 alleles (0.37%); highest among the groups gnomAD compares: South Asian, 1.4%; 44 homozygotes.

Submission:

PreventionGenetics, part of Exact Sciences
Classification: Benign for FAT3-related condition. Last evaluated: 2019-05-15. Review status: no assertion criteria provided. Collection method: clinical testing. Allele origin: germline.
Comment: This variant is classified as benign based on ACMG/AMP sequence variant interpretation guidelines (Richards et al. 2015 PMID: 25741868, with internal and published modifications).